The following is an entry in ClinVar:

NM_000270.4(PNP):c.*15G>A

Gene: PNP (purine nucleoside phosphorylase; plus strand). Cytogenetic location: 14q11.2.
Variant type: single nucleotide variant.
Coding change: c.*15G>A on transcript NM_000270.4 (MANE Select); 15 bases downstream of the stop codon, G replaced by A.
Molecular consequence: 3 prime UTR variant.
Genome position (GRCh38, 1-based): chr14:20,476,616, G>A. VCF-style: chr14-20476616-G-A. GRCh37 (hg19) VCF-style: chr14-20944775-G-A.
Identifiers: ClinVar variation 881209 (VCV000881209.5), dbSNP rs201497504, ClinGen allele CA7082232.

ClinVar aggregate classification (germline): Conflicting classifications of pathogenicity. Review status: criteria provided, conflicting classifications (1 of 4 stars). 2 submissions from 2 submitters: Uncertain significance (1); Benign (1). Last evaluated 2024-05-24.

Conditions:
Purine-nucleoside phosphorylase deficiency. Also called: Immunodeficiency due to purine nucleoside phosphorylase deficiency; NUCLEOSIDE PHOSPHORYLASE DEFICIENCY. Identifiers: Orphanet 760, MedGen C0268125, MONDO:0013171, OMIM 613179.

Allele frequency attached by ClinVar (database versions not stated): gnomAD 0.00004 and 0.00009; TOPMed 0.00007; ExAC 0.00010; 1000 Genomes Project 30x 0.00031; 1000 Genomes Project 0.00040.

Submissions (2):

Women's Health and Genetics/Laboratory Corporation of America, LabCorp
Classification: Benign. Last evaluated: 2024-05-24. Review status: criteria provided, single submitter. Criteria: LabCorp Variant Classification Summary - May 2015. Collection method: clinical testing. Allele origin: germline.
Comment: Variant summary: PNP c.*15G>A is located in the untranslated mRNA region downstream of the termination codon. The variant allele was found at a frequency of 0.00012 in 250988 control chromosomes, predominantly at a frequency of 0.0011 within the East Asian subpopulation in the gnomAD database. The observed variant frequency within East Asian control individuals in the gnomAD database is approximately 3 fold of the estimated maximal expected allele frequency for a pathogenic variant in PNP causing Severe Combined Immunodeficiency phenotype (0.00035). To our knowledge, no occurrence of c.*15G>A in individuals affected with Severe Combined Immunodeficiency and no experimental evidence demonstrating its impact on protein function have been reported. ClinVar contains an entry for this variant (Variation ID: 881209). Based on the evidence outlined above, the variant was classified as benign.

Illumina Laboratory Services, Illumina
Classification: Uncertain significance for Purine-nucleoside phosphorylase deficiency. Last evaluated: 2018-01-13. Review status: criteria provided, single submitter. Criteria: ICSL Variant Classification Criteria 13 December 2019. Collection method: clinical testing. Allele origin: germline.